The following is an entry in ClinVar:

ClinVar aggregate classification (germline): Conflicting classifications of pathogenicity. Review status: criteria provided, conflicting classifications (1 of 4 stars). 3 submissions from 3 submitters: Uncertain significance (2); Likely benign (1). Last evaluated 2025-11-03.

Conditions:
Arrhythmogenic cardiomyopathy with wooly hair and keratoderma. Also called: PALMOPLANTAR KERATODERMA WITH LEFT VENTRICULAR CARDIOMYOPATHY AND WOOLLY HAIR; Carvajal syndrome; Dilated cardiomyopathy with woolly hair and keratoderma; Arrhythmogenic cardiomyopathy with woolly hair and keratoderma. Identifiers: Orphanet 65282, MedGen C1854063, MONDO:0011581, OMIM 605676.
Arrhythmogenic right ventricular dysplasia 8 (ARVD8). Also called: ARRHYTHMOGENIC RIGHT VENTRICULAR DYSPLASIA, FAMILIAL, 8; ARRHYTHMOGENIC RIGHT VENTRICULAR CARDIOMYOPATHY 8; Arrhythmogenic Right Ventricular Dysplasia/Cardiomyopathy 8. Identifiers: MedGen C1843896, MONDO:0011831, OMIM 607450.
Cardiomyopathy (CMYO). Also called: Cardiomyopathies. Identifiers: Orphanet 167848, MedGen C0878544, MONDO:0004994, HP:0001638. Inheritance: Various modes of inheritance.

Allele frequency attached by ClinVar (database versions not stated): gnomAD exomes 0.00001.
gnomAD v4.1: 13 of 1,608,152 alleles (0.00081%); highest among the groups gnomAD compares: South Asian, 0.014%; no homozygotes.

Submissions (3):

Color Diagnostics, LLC DBA Color Health
Classification: Uncertain significance for Cardiomyopathy. Last evaluated: 2025-11-03. Review status: criteria provided, single submitter. Criteria: ACMG Guidelines, 2015. Collection method: clinical testing. Allele origin: germline.
Comment: Variant of Uncertain Significance due to insufficient evidence: This missense variant replace arginine with serine at codon 16 of the DSP protein. Computational prediction tools and conservation analyses are inconclusive regarding the impact of this variant on the protein function. Computational splicing tools suggest that this variant may not impact RNA splicing. To our knowledge, functional assays have not been performed for this variant nor has this variant been reported in individuals affected with cardiovascular disorders in the literature. This variant has been identified in 8/224122 chromosomes in the general population by the Genome Aggregation Database (gnomAD). Available evidence is insufficient to determine the pathogenicity of this variant conclusively.

Labcorp Genetics (formerly Invitae), Labcorp
Classification: Likely benign for Arrhythmogenic cardiomyopathy with wooly hair and keratoderma; Arrhythmogenic right ventricular dysplasia 8. Last evaluated: 2025-04-30. Review status: criteria provided, single submitter. Criteria: Invitae Variant Classification Sherloc (09022015). Collection method: clinical testing. Allele origin: germline.

GeneDx
Classification: Uncertain significance. Last evaluated: 2025-04-16. Review status: criteria provided, single submitter. Criteria: GeneDx Variant Classification Process June 2021. Collection method: clinical testing. Allele origin: germline. Affected: yes.
Comment: In silico analysis indicates that this missense variant does not alter protein structure/function; Has not been previously published as pathogenic or benign to our knowledge

NM_004415.4(DSP):c.46C>A (p.Arg16Ser)

Genes: DSP-AS1 (DSP antisense RNA 1; minus strand), DSP (desmoplakin; plus strand). Cytogenetic location: 6p24.3.
Variant type: single nucleotide variant.
Coding change: c.46C>A on transcript NM_004415.4 (MANE Select); coding-DNA position 46, C replaced by A.
Protein change: p.Arg16Ser; replaces arginine 16 with serine.
Molecular consequence: missense variant.
Genome position (GRCh38, 1-based): chr6:7,541,961, C>A. VCF-style: chr6-7541961-C-A. GRCh37 (hg19) VCF-style: chr6-7542194-C-A.
Other names: c.46C>A (LRG_423t1); c.46C>A, p.Arg16Ser (NM_001008844.3, NM_001319034.2); short protein forms R16S.
Identifiers: ClinVar variation 629716 (VCV000629716.9), dbSNP rs754773488, ClinGen allele CA042548.